The following is an entry in ClinVar:

NM_001039591.3(USP9X):c.3869A>G (p.Glu1290Gly)

Gene: USP9X (ubiquitin specific peptidase 9 X-linked; plus strand). Cytogenetic location: Xp11.4.
Variant type: single nucleotide variant.
Coding change: c.3869A>G on transcript NM_001039591.3 (MANE Select); coding-DNA position 3869, A replaced by G.
Protein change: p.Glu1290Gly; replaces glutamic acid 1290 with glycine.
Molecular consequence: missense variant.
Genome position (GRCh38, 1-based): chrX:41,189,367, A>G. VCF-style: chrX-41189367-A-G. GRCh37 (hg19) VCF-style: chrX-41048620-A-G.
Other names: c.3869A>G, p.Glu1290Gly (NM_001039590.3); c.3884A>G, p.Glu1295Gly (NM_001410748.1, NM_001410749.1); short protein forms E1290G, E1295G.
Identifiers: ClinVar variation 3362311 (VCV003362311.3).

ClinVar aggregate classification (germline): Uncertain significance (1 of 4 stars; one submission).

Conditions:
Intellectual developmental disorder, X-linked 99, syndromic, female-restricted. Also called: Intellectual disability, X-linked 99, syndromic, female-restricted. Identifiers: MedGen C4225416, MONDO:0010502, OMIM 300968.

Submission:

Neuberg Centre For Genomic Medicine, NCGM
Classification: Uncertain significance for Intellectual developmental disorder, X-linked 99, syndromic, female-restricted. Last evaluated: 2023-06-02. Review status: criteria provided, single submitter. Criteria: ACMG Guidelines, 2015. Collection method: clinical testing. Allele origin: germline. Inheritance: X-linked dominant inheritance. Affected: yes.
Comment: The missense variant c.3869A>G(p.Glu1290Gly) in USP9X gene has not been reported previously as a pathogenic variant nor as a benign variant, to our knowledge. The observed variant is absent in gnomAD exomes database. This variant has not been submitted to the ClinVar database. Multiple lines of computational evidence (Polyphen - probably damaging, SIFT - damaging and MutationTaster - disease causing) predict a damaging effect on protein structure and function for this variant. The reference amino acid change p.Glu1290Gly in USP9X is predicted as conserved by GERP++ and PhyloP across 100 vertebrates. The amino acid Glu at position 1290 is changed to a Gly changing protein sequence and it might alter its composition and physico-chemical properties. For these reasons, this variant has been classified as Uncertain Significance (VUS).